The following is an entry in ClinVar:

ClinVar aggregate classification (germline): Likely benign. Review status: criteria provided, multiple submitters, no conflicts (2 of 4 stars). 2 submissions from 2 submitters: Likely benign (2). Last evaluated 2024-11-13.

Allele frequency attached by ClinVar (database versions not stated): gnomAD exomes 0.00011 and 0.00023; ExAC 0.00030; 1000 Genomes Project 30x 0.00031; 1000 Genomes Project 0.00040; ESP Exome Variant Server 0.00069; gnomAD 0.00080 and 0.00086; TOPMed 0.00097.
gnomAD v4.1: 297 of 1,614,018 alleles (0.018%); highest among the groups gnomAD compares: African/African-American, 0.25%; 1 homozygote.

Submissions (2):

Blueprint Genetics
Classification: Likely benign. Last evaluated: 2024-11-13. Review status: criteria provided, single submitter. Criteria: ACMG Guidelines, 2015. Collection method: clinical testing. Allele origin: germline.

CeGaT Center for Human Genetics Tuebingen
Classification: Likely benign. Last evaluated: 2022-07-01. Review status: criteria provided, single submitter. Criteria: CeGaT Center For Human Genetics Tuebingen Variant Classification Criteria Version 2. Collection method: clinical testing. Allele origin: germline. Affected: yes. Observed: 1 variant allele.
Comment: AFG2B: BP4, BP7

NM_024063.3(AFG2B):c.1218C>T (p.Ala406=)

Gene: AFG2B (AAA ATPase AFG2B; plus strand). Cytogenetic location: 15q21.1.
Variant type: single nucleotide variant.
Coding change: c.1218C>T on transcript NM_024063.3 (MANE Select); coding-DNA position 1218, C replaced by T.
Protein change: p.Ala406=; no amino-acid change (alanine 406 retained).
Molecular consequence: synonymous variant. On other transcripts: non-coding transcript variant (5).
Genome position (GRCh38, 1-based): chr15:45,405,448, C>T. VCF-style: chr15-45405448-C-T. GRCh37 (hg19) VCF-style: chr15-45697646-C-T.
Other names: c.1218C>T, p.Ala406= (NM_001323640.2).
Identifiers: ClinVar variation 1701257 (VCV001701257.32), dbSNP rs149340024, ClinGen allele CA7543332.